The following is an entry in ClinVar:

ClinVar aggregate classification (germline): Pathogenic. Review status: criteria provided, multiple submitters, no conflicts (2 of 4 stars). 2 submissions from 2 submitters: Pathogenic (2). Last evaluated 2023-04-25.

Conditions:
Hereditary cancer-predisposing syndrome. Also called: Hereditary neoplastic syndrome; Hereditary Cancer Syndrome; Neoplastic Syndromes, Hereditary; Tumor predisposition. Identifiers: Orphanet 140162, MedGen C0027672, MeSH D009386, MONDO:0015356.
Familial adenomatous polyposis 1 (FAP1). Also called: POLYPOSIS, ADENOMATOUS INTESTINAL; FAMILIAL ADENOMATOUS POLYPOSIS 1, ATTENUATED. Identifiers: MedGen C2713442, MONDO:0021056, OMIM 175100. Disease mechanism: loss of function.

Submissions (2):

Myriad Genetics, Inc.
Classification: Pathogenic for Familial adenomatous polyposis 1. Last evaluated: 2023-04-25. Review status: criteria provided, single submitter. Criteria: Myriad Autosomal Dominant, Autosomal Recessive and X-Linked Classification Criteria (2023). Collection method: clinical testing. Allele origin: unknown.
Comment: This variant is considered pathogenic. This variant creates a frameshift predicted to result in premature protein truncation.

Ambry Genetics
Classification: Pathogenic for Hereditary cancer-predisposing syndrome. Last evaluated: 2023-04-07. Review status: criteria provided, single submitter. Criteria: Ambry Variant Classification Scheme 2023. Collection method: clinical testing. Allele origin: germline.
Comment: The c.290delG variant, located in coding exon 3 of the APC gene, results from a deletion of one nucleotide at nucleotide position 290, causing a translational frameshift with a predicted alternate stop codon (p.G97Efs*28). This alteration has been observed in at least one individual with a personal and/or family history that is consistent with APC-related disease (Ambry internal data). This variant is considered to be rare based on population cohorts in the Genome Aggregation Database (gnomAD). This alteration is expected to result in loss of function by premature protein truncation or nonsense-mediated mRNA decay. As such, this alteration is interpreted as a disease-causing mutation.

NM_000038.6(APC):c.290del (p.Gly97fs)

Gene: APC (APC regulator of Wnt signaling pathway; plus strand). Cytogenetic location: 5q22.2.
Variant type: Deletion.
Coding change: c.290del on transcript NM_000038.6 (MANE Select); coding-DNA position 290, one base deleted (G; older notation c.290delG).
Protein change: p.Gly97fs; shifts the reading frame from glycine 97.
Molecular consequence: frameshift variant. On other transcripts: 5 prime UTR variant (4), non-coding transcript variant (2).
Genome position (GRCh38, 1-based): chr5:112,767,258, G deleted; the last of 2 consecutive G bases (chr5:112,767,257-112,767,258); deleting either gives the same sequence. VCF-style (leftmost placement, unchanged base first): chr5-112767256-TG-T. GRCh37 (hg19) VCF-style: chr5-112102953-TG-T.
Other names: c.290del, p.Gly97fs (NM_001127510.3, NM_001354895.2, NM_001354896.2 and 16 more transcripts); c.320del, p.Gly107fs (NM_001127511.3, NM_001354897.2, NM_001354902.2 and 1 more transcripts); c.215del, p.Gly72fs (NM_001354898.2, NM_001354904.2, NM_001407451.1); c.113del, p.Gly38fs (NM_001354900.2, NM_001354901.2, NM_001354905.2 and 1 more transcripts); c.-746del (NM_001354906.2, NM_001407470.1, NM_001407471.1 and 1 more transcripts); short protein forms G38fs, G72fs, G107fs, G97fs.
Identifiers: ClinVar variation 2566946 (VCV002566946.4), dbSNP rs2149788271, ClinGen allele CA2580613615.